The following is an entry in ClinVar:

GRCh38/hg38 11q24.2-25(chr11:127604660-134998454)x1

Genes: ACAD8 (acyl-CoA dehydrogenase family member 8; plus strand), ADAMTS15 (ADAM metallopeptidase with thrombospondin type 1 motif 15; plus strand), ADAMTS8 (ADAM metallopeptidase with thrombospondin type 1 motif 8; minus strand), APLP2 (amyloid beta precursor like protein 2; plus strand), ARHGAP32 (Rho GTPase activating protein 32; minus strand) and 220 more. Cytogenetic location: 11q24.2-25.
Variant type: copy number loss.
Change: copy number 1 (one copy instead of two) of chr11:127,604,660-134,998,454 (7.39 Mb, GRCh38 coordinates, 1-based), cytogenetic band 11q24.2-25.
Identifiers: ClinVar variation 57189 (VCV000057189.1).

ClinVar aggregate classification (germline): Pathogenic (1 of 4 stars; one submission).

Submission:

ISCA site 4
Classification: Pathogenic. Last evaluated: 2011-08-12. Review status: criteria provided, single submitter. Criteria: Kaminsky et al. (Genet Med. 2011). Collection method: clinical testing. Allele origin: unknown. Affected: yes. Observed: 1 variant allele.
Comment: Copy number variation identified through the course of routine clinical cytogenomic testing in postnatal populations. Clinical assertions have been curated as described in Kaminsky et al. 2011.